The following is an entry in ClinVar:

ClinVar aggregate classification (germline): Pathogenic. Review status: criteria provided, multiple submitters, no conflicts (2 of 4 stars). 6 submissions from 6 submitters: Pathogenic (6). Last evaluated 2025-03-27.

Conditions:
XIAP-related disorder. Also called: XIAP-related condition.
Sepsis. Identifiers: MedGen C0036690, HP:0100806.
Recurrent infections. Also called: Recurrent infection. Identifiers: MedGen C0239998, HP:0002719.
X-linked lymphoproliferative disease due to XIAP deficiency. Also called: XIAP-Related Lymphoproliferative Disease, X-Linked; XIAP DEFICIENCY. Identifiers: Orphanet 2442, Orphanet 538934, MedGen C1845076, MONDO:0010385, OMIM 300635.

Submissions (6):

Variantyx, Inc.
Classification: Pathogenic for X-linked lymphoproliferative disease due to XIAP deficiency. Last evaluated: 2025-03-27. Review status: criteria provided, single submitter. Criteria: Variantyx Assertion Criteria 2022. Collection method: clinical testing. Allele origin: germline. Inheritance: X-linked recessive inheritance.
Comment: This is a nonsense variant in the XIAP gene (OMIM: 300079). Pathogenic variants in this gene have been associated with X-linked lymphoproliferative syndrome 2. The variant introduces a premature termination codon in exon 6 out of 7, which is expected to result in loss of function, a known disease mechanism for XIAP in this disorder (PMID: 17080092, 21119115, 25666262) (PVS1). This variant has been reported in several unrelated affected individuals (PMID: 21119115, 27747465, 28936583, 35973195, 32542393, 27815752, 23131490) (PS4_Moderate). This variant is absent from control populations (PM2_Supporting). Based on the current evidence, this variant is classified as pathogenic for X-linked lymphoproliferative syndrome 2.

Labcorp Genetics (formerly Invitae), Labcorp
Classification: Pathogenic for X-linked lymphoproliferative disease due to XIAP deficiency. Last evaluated: 2024-10-16. Review status: criteria provided, single submitter. Criteria: Invitae Variant Classification Sherloc (09022015). Collection method: clinical testing. Allele origin: germline.
Comment: This sequence change creates a premature translational stop signal (p.Arg381*) in the XIAP gene. It is expected to result in an absent or disrupted protein product. Loss-of-function variants in XIAP are known to be pathogenic (PMID: 17080092, 21119115, 25666262). This variant is not present in population databases (gnomAD no frequency). This premature translational stop signal has been observed in individual(s) with clinical features of X-linked lymphoproliferative syndrome 2 (PMID: 21119115, 27747465, 28936583). ClinVar contains an entry for this variant (Variation ID: 523420). For these reasons, this variant has been classified as Pathogenic.

Genomics Facility, Ludwig-Maximilians-Universität München
Classification: Pathogenic for X-linked lymphoproliferative disease due to XIAP deficiency. Last evaluated: 2021-12-28. Review status: criteria provided, single submitter. Criteria: ACMG Guidelines, 2015. Collection method: clinical testing. Allele origin: unknown. Inheritance: X-linked inheritance. Affected: yes.

Mendelics
Classification: Pathogenic for X-linked lymphoproliferative disease due to XIAP deficiency. Last evaluated: 2019-05-28. Review status: criteria provided, single submitter. Criteria: Mendelics Assertion Criteria 2017. Collection method: clinical testing. Allele origin: unknown.

Blueprint Genetics
Classification: Pathogenic for XIAP-related disorders. Last evaluated: 2018-09-18. Review status: criteria provided, single submitter. Criteria: ACMG Guidelines, 2015. Collection method: clinical testing. Allele origin: germline. Affected: yes. Observed: 1 variant allele.

Centre for Mendelian Genomics, University Medical Centre Ljubljana
Classification: Pathogenic for Recurrent infections; Sepsis. Last evaluated: 2017-01-01. Review status: criteria provided, single submitter. Criteria: ACMG Guidelines, 2015. Collection method: clinical testing. Allele origin: unknown. Affected: yes.

Literature cited by the submitters: PubMed 17080092 (cited by Variantyx, Inc. and Labcorp Genetics (formerly Invitae), Labcorp); PubMed 21119115 (cited by Variantyx, Inc. and Labcorp Genetics (formerly Invitae), Labcorp); PubMed 25666262 (cited by Variantyx, Inc. and Labcorp Genetics (formerly Invitae), Labcorp); PubMed 27747465 (cited by Variantyx, Inc. and Labcorp Genetics (formerly Invitae), Labcorp); PubMed 28936583 (cited by Variantyx, Inc. and Labcorp Genetics (formerly Invitae), Labcorp); PubMed 35973195 (cited by Variantyx, Inc.); PubMed 32542393 (cited by Variantyx, Inc.); PubMed 27815752 (cited by Variantyx, Inc.); PubMed 23131490 (cited by Variantyx, Inc.).

NM_001167.4(XIAP):c.1141C>T (p.Arg381Ter)

Gene: XIAP (X-linked inhibitor of apoptosis; plus strand). Cytogenetic location: Xq25.
Variant type: single nucleotide variant.
Coding change: c.1141C>T on transcript NM_001167.4 (MANE Select); coding-DNA position 1141, C replaced by T.
Protein change: p.Arg381Ter; replaces arginine 381 with a stop codon.
Molecular consequence: nonsense. On other transcripts: non-coding transcript variant (2).
Genome position (GRCh38, 1-based): chrX:123,900,534, C>T. VCF-style: chrX-123900534-C-T. GRCh37 (hg19) VCF-style: chrX-123034384-C-T.
Other names: c.1141C>T, p.Arg381Ter (NM_001204401.2, NM_001378590.1, NM_001378591.1 and 1 more transcripts); short protein forms R381*.
Identifiers: ClinVar variation 523420 (VCV000523420.15), dbSNP rs1556408009, ClinGen allele CA414126969.